The following is an entry in ClinVar:

ClinVar aggregate classification (germline): Uncertain significance (1 of 4 stars; one submission).

Conditions:
Hereditary spastic paraplegia 4. Also called: Familial spastic paraplegia autosomal dominant 2; Spastic paraplegia 4, autosomal dominant; Spastic Paraplegia 4. Identifiers: Orphanet 100985, MedGen C1866855, MONDO:0008438, OMIM 182601.

Submission:

Labcorp Genetics (formerly Invitae), Labcorp
Classification: Uncertain significance for Hereditary spastic paraplegia 4. Last evaluated: 2022-08-22. Review status: criteria provided, single submitter. Criteria: Invitae Variant Classification Sherloc (09022015). Collection method: clinical testing. Allele origin: germline.
Comment: In summary, the available evidence is currently insufficient to determine the role of this variant in disease. Therefore, it has been classified as a Variant of Uncertain Significance. This variant has not been reported in the literature in individuals affected with SPAST-related conditions. A copy number gain of the genomic region encompassing the full coding sequence of the SPAST gene has been identified. The boundaries of this event are unknown as they extend beyond the assayed region for this gene and therefore may encompass additional genes. As the precise location of this event is unknown, it may be in tandem or it may be located elsewhere in the genome.

NC_000002.11:g.(?_31558824)_(32481844_?)dup

Genes: DPY30 (dpy-30 histone methyltransferase complex regulatory subunit; minus strand), MEMO1 (mediator of cell motility 1; minus strand), NLRC4 (NLR family CARD domain containing 4; minus strand), SLC30A6 (solute carrier family 30 member 6; plus strand), SPAST (spastin; plus strand) and 2 more. Cytogenetic location: 2p23.1-22.3.
Variant type: Duplication.
Identifiers: ClinVar variation 1375711 (VCV001375711.5).